The following is an entry in ClinVar:

NM_004415.4(DSP):c.8138T>A (p.Val2713Glu)

Gene: DSP (desmoplakin; plus strand). Cytogenetic location: 6p24.3.
Variant type: single nucleotide variant.
Coding change: c.8138T>A on transcript NM_004415.4 (MANE Select); coding-DNA position 8138, T replaced by A.
Protein change: p.Val2713Glu; replaces valine 2713 with glutamic acid.
Molecular consequence: missense variant.
Genome position (GRCh38, 1-based): chr6:7,585,400, T>A. VCF-style: chr6-7585400-T-A. GRCh37 (hg19) VCF-style: chr6-7585633-T-A.
Other names: c.6341T>A, p.Val2114Glu (NM_001008844.3); c.6809T>A, p.Val2270Glu (NM_001319034.2); short protein forms V2114E, V2270E, V2713E.
Identifiers: ClinVar variation 4758618 (VCV004758618.1).

ClinVar aggregate classification (germline): Uncertain significance (1 of 4 stars; one submission).

Conditions:
Cardiomyopathy (CMYO). Also called: Cardiomyopathies. Identifiers: Orphanet 167848, MedGen C0878544, MONDO:0004994, HP:0001638. Inheritance: Various modes of inheritance.

gnomAD v4.1: 1 of 1,613,962 alleles (0.000062%); highest among the groups gnomAD compares: Non-Finnish European, 0.000085%; no homozygotes.

Submission:

Color Diagnostics, LLC DBA Color Health
Classification: Uncertain significance for Cardiomyopathy. Last evaluated: 2025-09-05. Review status: criteria provided, single submitter. Criteria: ACMG Guidelines, 2015. Collection method: clinical testing. Allele origin: germline.
Comment: This missense variant replaces valine with glutamic acid at codon 2713 of the DSP protein. Computational prediction suggests that this variant may have deleterious impact on protein structure and function. To our knowledge, functional studies have not been reported for this variant. This variant has not been reported in individuals affected with DSP-related disorders in the literature. This variant has not been identified in the general population by the Genome Aggregation Database (gnomAD). The available evidence is insufficient to determine the role of this variant in disease conclusively. Therefore, this variant is classified as a Variant of Uncertain Significance.